The following is an entry in ClinVar:

ClinVar aggregate classification (germline): Pathogenic (1 of 4 stars; one submission).

Conditions:
Diffuse cerebral and cerebellar atrophy - intractable seizures - progressive microcephaly syndrome. Also called: Microcephaly, progressive, with seizures and cerebral and cerebellar atrophy. Identifiers: Orphanet 404437, MedGen C4014239, MONDO:0014335, OMIM 615760.

Allele frequency attached by ClinVar (database versions not stated): gnomAD exomes below 0.00001.
gnomAD v4.1: 1 of 1,614,232 alleles (0.000062%); highest among the groups gnomAD compares: Non-Finnish European, 0.000085%; no homozygotes.

Submission:

Labcorp Genetics (formerly Invitae), Labcorp
Classification: Pathogenic for Diffuse cerebral and cerebellar atrophy - intractable seizures - progressive microcephaly syndrome. Last evaluated: 2024-01-08. Review status: criteria provided, single submitter. Criteria: Invitae Variant Classification Sherloc (09022015). Collection method: clinical testing. Allele origin: germline.
Comment: This sequence change creates a premature translational stop signal (p.Gln341*) in the QARS gene. It is expected to result in an absent or disrupted protein product. Loss-of-function variants in QARS are known to be pathogenic (PMID: 24656866, 25471517). This variant is not present in population databases (gnomAD no frequency). This variant has not been reported in the literature in individuals affected with QARS-related conditions. ClinVar contains an entry for this variant (Variation ID: 1957132). For these reasons, this variant has been classified as Pathogenic.

Literature cited by the submitters: PubMed 24656866; PubMed 25471517.

NM_005051.3(QARS1):c.1021C>T (p.Gln341Ter)

Gene: QARS1 (glutaminyl-tRNA synthetase 1; minus strand). Cytogenetic location: 3p21.31.
Variant type: single nucleotide variant.
Coding change: c.1021C>T on transcript NM_005051.3 (MANE Select); coding-DNA position 1021, C replaced by T.
Protein change: p.Gln341Ter; replaces glutamine 341 with a stop codon.
Molecular consequence: nonsense. On other transcripts: non-coding transcript variant (1).
Genome position (GRCh38, 1-based): chr3:49,100,414, G>A on the plus strand (C>T on the coding strand, the complement: QARS1 is on the minus strand). VCF-style: chr3-49100414-G-A. GRCh37 (hg19) VCF-style: chr3-49137847-G-A.
Other names: c.988C>T, p.Gln330Ter (NM_001272073.2); short protein forms Q330*, Q341*.
Identifiers: ClinVar variation 1957132 (VCV001957132.5), dbSNP rs2471852020, ClinGen allele CA352711156.